The following is an entry in ClinVar:

ClinVar aggregate classification (germline): Uncertain significance. Review status: criteria provided, multiple submitters, no conflicts (2 of 4 stars). 3 submissions from 3 submitters: Uncertain significance (3). Last evaluated 2025-12-22.

Conditions:
Congenital myasthenic syndrome 8. Also called: MYASTHENIC SYNDROME, CONGENITAL, DUE TO AGRIN DEFICIENCY; Myasthenic syndrome, congenital, 8, with pre- and postsynaptic defects. Identifiers: Orphanet 590, MedGen C3808739, MONDO:0014052, OMIM 615120.
Inborn genetic diseases. Identifiers: MedGen C0950123, MeSH D030342.

Allele frequency attached by ClinVar (database versions not stated): gnomAD exomes 0.00001; ExAC 0.00002; gnomAD 0.00005; TOPMed 0.00005; ESP Exome Variant Server 0.00015.
gnomAD v4.1: 28 of 1,610,514 alleles (0.0017%); highest among the groups gnomAD compares: Middle Eastern, 0.017%; no homozygotes.

Submissions (3):

Ambry Genetics
Classification: Uncertain significance for Inborn genetic diseases. Last evaluated: 2025-12-22. Review status: criteria provided, single submitter. Criteria: Ambry Variant Classification Scheme 2023. Collection method: clinical testing. Allele origin: germline.

Blueprint Genetics
Classification: Uncertain significance. Last evaluated: 2024-09-16. Review status: criteria provided, single submitter. Criteria: ACMG Guidelines, 2015. Collection method: clinical testing. Allele origin: germline.

Labcorp Genetics (formerly Invitae), Labcorp
Classification: Uncertain significance for Congenital myasthenic syndrome 8. Last evaluated: 2023-08-04. Review status: criteria provided, single submitter. Criteria: Invitae Variant Classification Sherloc (09022015). Collection method: clinical testing. Allele origin: germline.
Comment: This sequence change replaces arginine, which is basic and polar, with glutamine, which is neutral and polar, at codon 1915 of the AGRN protein (p.Arg1915Gln). This variant is present in population databases (rs150134229, gnomAD 0.009%). This variant has not been reported in the literature in individuals affected with AGRN-related conditions. ClinVar contains an entry for this variant (Variation ID: 541169). Algorithms developed to predict the effect of missense changes on protein structure and function output the following: SIFT: "Not Available"; PolyPhen-2: "Benign"; Align-GVGD: "Not Available". The glutamine amino acid residue is found in multiple mammalian species, which suggests that this missense change does not adversely affect protein function. In summary, the available evidence is currently insufficient to determine the role of this variant in disease. Therefore, it has been classified as a Variant of Uncertain Significance.

NM_198576.4(AGRN):c.5744G>A (p.Arg1915Gln)

Gene: AGRN (agrin; plus strand). Cytogenetic location: 1p36.33.
Variant type: single nucleotide variant.
Coding change: c.5744G>A on transcript NM_198576.4 (MANE Select); coding-DNA position 5744, G replaced by A.
Protein change: p.Arg1915Gln; replaces arginine 1915 with glutamine.
Molecular consequence: missense variant.
Genome position (GRCh38, 1-based): chr1:1,053,845, G>A. VCF-style: chr1-1053845-G-A. GRCh37 (hg19) VCF-style: chr1-989225-G-A.
Other names: c.5813G>A, p.Arg1938Gln (NM_001305275.2); c.5441G>A, p.Arg1814Gln (NM_001364727.2); short protein forms R1915Q, R1814Q, R1938Q.
Identifiers: ClinVar variation 541169 (VCV000541169.8), dbSNP rs150134229, ClinGen allele CA510217.